The following is an entry in ClinVar:

ClinVar aggregate classification (germline): Likely benign (1 of 4 stars; one submission).

Submission:

Laboratory for Molecular Medicine, Mass General Brigham Personalized Medicine
Classification: Likely benign. Last evaluated: 2016-01-26. Review status: criteria provided, single submitter. Criteria: LMM Criteria. Collection method: clinical testing. Allele origin: germline. Observed: 1 variant allele.
Comment: c.435+15_435+16delAG in intron 3 of GATAD1: This variant is not expected to have clinical significance because it is not located within the splice consensus seq uence.

NM_021167.5(GATAD1):c.435+15_435+16del

Gene: GATAD1 (GATA zinc finger domain containing 1; plus strand). Cytogenetic location: 7q21.2.
Variant type: Microsatellite.
Coding change: c.435+15_435+16del on transcript NM_021167.5 (MANE Select); bases 15 to 16 of the intron after coding-DNA position 435, 2 bases deleted (AG; older notation c.435+15_435+16delAG).
Molecular consequence: intron variant.
Genome position (GRCh38, 1-based): chr7:92,450,775-92,450,776, AG deleted; deleting any 2 consecutive bases within chr7:92,450,773-92,450,776 gives the same sequence; the c. name uses the placement nearest the transcript's 3' end. VCF-style (leftmost placement, unchanged base first): chr7-92450772-TAG-T. GRCh37 (hg19) VCF-style: chr7-92080086-TAG-T.
Identifiers: ClinVar variation 227373 (VCV000227373.4), dbSNP rs876657464, ClinGen allele CA10576733.
Genomic context (GRCh38, chr7:92,450,772, plus strand): 5'-TCCTGAGTCAGTTTCCACTATAATCACTGCAGAATCAATCTTCTACAAGGTAAGCTTTTG[TAG>T]AGTTACTGAAGGAAGAGTTGGGCCTAGTGGGTAATGTGCCACTAAAATGTTGGATTAGTC-3'